The following is an entry in ClinVar:

NM_001034850.3(RETREG1):c.1426C>G (p.Gln476Glu)

Gene: RETREG1 (reticulophagy regulator 1; minus strand). Cytogenetic location: 5p15.1.
Variant type: single nucleotide variant.
Coding change: c.1426C>G on transcript NM_001034850.3 (MANE Select); coding-DNA position 1426, C replaced by G.
Protein change: p.Gln476Glu; replaces glutamine 476 with glutamic acid.
Molecular consequence: missense variant.
Genome position (GRCh38, 1-based): chr5:16,474,809, G>C on the plus strand (C>G on the coding strand, the complement: RETREG1 is on the minus strand). VCF-style: chr5-16474809-G-C. GRCh37 (hg19) VCF-style: chr5-16474918-G-C.
Other names: c.1003C>G, p.Gln335Glu (NM_019000.5); short protein forms Q476E, Q335E.
Identifiers: ClinVar variation 470690 (VCV000470690.10), dbSNP rs761585250, ClinGen allele CA114754224.

ClinVar aggregate classification (germline): Uncertain significance (1 of 4 stars; one submission).

Allele frequency attached by ClinVar (database versions not stated): TOPMed 0.00001.
gnomAD v4.1: 5 of 1,613,388 alleles (0.00031%); highest among the groups gnomAD compares: Middle Eastern, 0.016%; no homozygotes.

Submission:

Labcorp Genetics (formerly Invitae), Labcorp
Classification: Uncertain significance. Last evaluated: 2020-08-17. Review status: criteria provided, single submitter. Criteria: Invitae Variant Classification Sherloc (09022015). Collection method: clinical testing. Allele origin: germline.
Comment: In summary, the available evidence is currently insufficient to determine the role of this variant in disease. Therefore, it has been classified as a Variant of Uncertain Significance. Algorithms developed to predict the effect of missense changes on protein structure and function output the following: SIFT: "Tolerated"; PolyPhen-2: "Benign"; Align-GVGD: "Class C0". The glutamic acid amino acid residue is found in multiple mammalian species, suggesting that this missense change does not adversely affect protein function. These predictions have not been confirmed by published functional studies and their clinical significance is uncertain. This variant has not been reported in the literature in individuals with FAM134B-related disease. This variant is not present in population databases (ExAC no frequency). This sequence change replaces glutamine with glutamic acid at codon 476 of the FAM134B protein (p.Gln476Glu). The glutamine residue is moderately conserved and there is a small physicochemical difference between glutamine and glutamic acid.